The following is an entry in ClinVar:

NM_000135.4(FANCA):c.73dup (p.Leu25fs)

Genes: FANCA (FA complementation group A; minus strand), LOC112486223 (Sharpr-MPRA regulatory region 3988; plus strand). Cytogenetic location: 16q24.3.
Variant type: Duplication.
Coding change: c.73dup on transcript NM_000135.4 (MANE Select); coding-DNA position 73, one base duplicated (C; older notation c.73dupC).
Protein change: p.Leu25fs; shifts the reading frame from leucine 25.
Molecular consequence: frameshift variant.
Genome position (GRCh38, 1-based): chr16:89,816,543, G duplicated on the plus strand (C on the coding strand, the reverse complement: FANCA is on the minus strand). VCF-style (leftmost placement, unchanged base first): chr16-89816542-A-AG. GRCh37 (hg19) VCF-style: chr16-89882950-A-AG.
Other names: c.73dup, p.Leu25fs (NM_001018112.3, NM_001286167.3, NM_001351830.2); short protein forms L25fs.
Identifiers: ClinVar variation 5011771 (VCV005011771.1).
Genomic context (GRCh38, chr16:89,816,542, plus strand): 5'-GAAACCGTCCCGGGCCGGACGCCGCCCACTCCCGCGGCCTGCCGCGCCCACCTACCCAGC[A>AG]GCTCGGCCCAGGCCCTCCGGCGGCCCCCTGGGTCCTGGCCCGAGGCGGAGTTCGGGACCC-3'

ClinVar aggregate classification (germline): Pathogenic (1 of 4 stars; one submission).

Conditions:
Fanconi anemia complementation group A (FANCA). Also called: Fanconi anemia, group A; FANCA-Related Fanconi Anemia. Identifiers: Orphanet 84, MedGen C3469521, MONDO:0009215, OMIM 227650.

Submission:

Myriad Genetics, Inc.
Classification: Pathogenic for Fanconi anemia complementation group A. Last evaluated: 2023-09-27. Review status: criteria provided, single submitter. Criteria: Myriad Autosomal Dominant, Autosomal Recessive and X-Linked Classification Criteria (2023). Collection method: clinical testing. Allele origin: unknown.
Comment: NM_000135.2(FANCA):c.73dupC(L25Pfs*12) is expected to be pathogenic in the context of Fanconi anemia complementation group A. This variant is predicted to lead to an abnormal or absent protein product due to the creation of a premature termination codon in FANCA, a gene where loss-of-function variants are known to be pathogenic. Please note: this variant was assessed in the context of healthy population screening.